The following is an entry in ClinVar:

ClinVar aggregate classification (germline): Benign. Review status: criteria provided, multiple submitters, no conflicts (2 of 4 stars). 7 submissions from 7 submitters: Benign (5). 2 of the submissions do not count toward it. Last evaluated 2026-02-03.

Conditions:
Hypertrophic cardiomyopathy 1 (CMH1). Also called: Familial hypertrophic cardiomyopathy 1; MYH7-Related Familial Hypertrophic Cardiomyopathy. Identifiers: MedGen C3495498, MONDO:0008647, OMIM 192600.
Cardiomyopathy (CMYO). Also called: Cardiomyopathies. Identifiers: Orphanet 167848, MedGen C0878544, MONDO:0004994, HP:0001638. Inheritance: Various modes of inheritance.

Allele frequency attached by ClinVar (database versions not stated): TOPMed 0.01783; gnomAD 0.01993 and 0.01935; ESP Exome Variant Server 0.02045; ExAC 0.02061; 1000 Genomes Project 0.00958; 1000 Genomes Project 30x 0.00968; gnomAD exomes 0.02031.
gnomAD v4.1: 39,499 of 1,614,012 alleles (2.4%); highest among the groups gnomAD compares: Non-Finnish European, 2.8%; 608 homozygotes.

Submissions (7):

Labcorp Genetics (formerly Invitae), Labcorp
Classification: Benign for Hypertrophic cardiomyopathy 1. Last evaluated: 2026-02-03. Review status: criteria provided, single submitter. Criteria: Invitae Variant Classification Sherloc (09022015). Collection method: clinical testing. Allele origin: germline.

GeneDx
Classification: Benign. Last evaluated: 2014-01-24. Review status: criteria provided, single submitter. Criteria: GeneDx Variant Classification (06012015). Collection method: clinical testing. Allele origin: germline. Affected: yes.
Comment: This variant is considered likely benign or benign based on one or more of the following criteria: it is a conservative change, it occurs at a poorly conserved position in the protein, it is predicted to be benign by multiple in silico algorithms, and/or has population frequency not consistent with disease.

Laboratory for Molecular Medicine, Mass General Brigham Personalized Medicine
Classification: Benign. Last evaluated: 2011-09-27. Review status: criteria provided, single submitter. Criteria: LMM Criteria. Collection method: clinical testing. Allele origin: germline. Observed: 71 variant alleles.

Women's Health and Genetics/Laboratory Corporation of America, LabCorp
Classification: Benign for Cardiomyopathy. Last evaluated: 2011-08-18. Review status: criteria provided, single submitter. Criteria: LabCorp Variant Classification Summary - May 2015. Collection method: curation. Allele origin: germline. Inheritance: autosomal unknown. Affected: yes.
ClinVar note: Converted during submission from benign to Benign.

Breakthrough Genomics
Classification: Benign. Review status: criteria provided, single submitter. Criteria: ACMG Guidelines, 2015. Collection method: not provided. Allele origin: germline. Inheritance: Autosomal dominant inheritance. Affected: yes.

Genome Diagnostics Laboratory, University Medical Center Utrecht
Classification: Benign. Review status: no assertion criteria provided. Collection method: clinical testing. Allele origin: germline. Affected: yes. Study: VKGL Data-share Consensus. Not counted in ClinVar's aggregate classification.

Joint Genome Diagnostic Labs from Nijmegen and Maastricht, Radboudumc and MUMC+
Classification: Likely benign. Review status: no assertion criteria provided. Collection method: clinical testing. Allele origin: germline. Affected: yes. Study: VKGL Data-share Consensus. Not counted in ClinVar's aggregate classification.

NM_033118.4(MYLK2):c.1082+11G>A

Gene: MYLK2 (myosin light chain kinase 2; plus strand). Cytogenetic location: 20q11.21.
Variant type: single nucleotide variant.
Coding change: c.1082+11G>A on transcript NM_033118.4 (MANE Select); 11 bases into the intron after coding-DNA position 1082, G replaced by A.
Molecular consequence: intron variant.
Genome position (GRCh38, 1-based): chr20:31,826,725, G>A. VCF-style: chr20-31826725-G-A. GRCh37 (hg19) VCF-style: chr20-30414528-G-A.
Identifiers: ClinVar variation 36649 (VCV000036649.19), dbSNP rs76530988, ClinGen allele CA138510.